The following is an entry in ClinVar:

ClinVar aggregate classification (germline): Pathogenic (1 of 4 stars; one submission).

Conditions:
Friedreich ataxia 1 (FRDA1). Identifiers: Orphanet 95, MedGen C1856689, MONDO:0100340, OMIM 229300.

Submission:

Imagene.me medical diagnostic laboratory, IMAGENE.ME SA
Classification: Pathogenic for Friedreich ataxia 1. Review status: criteria provided, single submitter. Criteria: IMAGENE.ME Variant Classification SOP 2022. Collection method: clinical testing. Allele origin: germline.
Comment: Classified according to the IMAGENE.ME variant classification SOP based on the ACMG guidelines as Pathogenic (P): PVS1 + PM2 + PP4

NM_000144.5(FXN):c.211del (p.Gln71fs)

Gene: FXN (frataxin; plus strand). Cytogenetic location: 9q21.11.
Variant type: Deletion.
Coding change: c.211del on transcript NM_000144.5 (MANE Select); coding-DNA position 211, one base deleted (C; older notation c.211delC).
Protein change: p.Gln71fs; shifts the reading frame from glutamine 71.
Molecular consequence: frameshift variant.
Genome position (GRCh38, 1-based): chr9:69,046,430, C deleted. VCF-style (leftmost placement, unchanged base first): chr9-69046429-GC-G. GRCh37 (hg19) VCF-style: chr9-71661345-GC-G.
Other names: c.211del, p.Gln71fs (NM_181425.3); short protein forms Q71fs.
Identifiers: ClinVar variation 4685500 (VCV004685500.1).
Genomic context (GRCh38, chr9:69,046,429, plus strand): 5'-TAACTTTGGCTTTCAGAGTTCGAACCAACGTGGCCTCAACCAGATTTGGAATGTCAAAAA[GC>G]AGAGTGTCTATTTGATGAATTTGAGGAAATCTGGAACTTTGGGCCACCCAGGGTAAGATA-3'